The following is an entry in ClinVar:

ClinVar aggregate classification (germline): Pathogenic (1 of 4 stars; one submission).

Conditions:
Cockayne syndrome type 1. Also called: Cockayne syndrome type I; Cockayne syndrome classical; Cockayne syndrome classic form. Identifiers: Orphanet 191, Orphanet 90321, MedGen C0751039, MONDO:0019569, OMIM 216400.

Submission:

Myriad Genetics, Inc.
Classification: Pathogenic for Cockayne syndrome type 1. Last evaluated: 2024-11-06. Review status: criteria provided, single submitter. Criteria: Myriad Autosomal Dominant, Autosomal Recessive and X-Linked Classification Criteria (2023). Collection method: clinical testing. Allele origin: unknown.
Comment: NM_000082.3(ERCC8):c.318_334dup17(T112Sfs*19) is expected to be pathogenic in the context of ERCC8-related disorders. This variant is predicted to lead to an abnormal or absent protein product due to the creation of a premature termination codon in ERCC8, a gene where loss-of-function variants are known to be pathogenic. Please note: this variant was assessed in the context of healthy population screening.

NM_000082.4(ERCC8):c.318_334dup (p.Thr112fs)

Genes: ERCC8 (ERCC excision repair 8, CSA ubiquitin ligase complex subunit; minus strand), ERCC8-AS1 (ERCC8 antisense RNA 1; plus strand). Cytogenetic location: 5q12.1.
Variant type: Duplication.
Coding change: c.318_334dup on transcript NM_000082.4 (MANE Select); coding-DNA positions 318 to 334, 17 bases duplicated (GTGGTATCCTCATGACA).
Protein change: p.Thr112fs; shifts the reading frame from threonine 112.
Molecular consequence: frameshift variant. On other transcripts: non-coding transcript variant (1), 5 prime UTR variant (1).
Genome position (GRCh38, 1-based): chr5:60,918,330-60,918,346, TGTCATGAGGATACCAC duplicated on the plus strand (GTGGTATCCTCATGACA on the coding strand, the reverse complement: ERCC8 is on the minus strand); duplicating any 17 consecutive bases within chr5:60,918,330-60,918,349 gives the same sequence; the c. name uses the placement nearest the transcript's 3' end. VCF-style (leftmost placement, unchanged base first): chr5-60918329-G-GTGTCATGAGGATACCAC. GRCh37 (hg19) VCF-style: chr5-60214156-G-GTGTCATGAGGATACCAC.
Other names: c.144_160dup, p.Thr54fs (NM_001007233.3); c.318_334dup, p.Thr112fs (NM_001007234.3); c.-60_-44dup (NM_001290285.2); short protein forms T112fs, T54fs.
Identifiers: ClinVar variation 5013721 (VCV005013721.1).
Genomic context (GRCh38, chr5:60,918,329, plus strand): 5'-AATGTATTTGTATCCCATACTTTCAGAGTTTTATCAAATGAGCTTGATGTGAACATGCCA[G>GTGTCATGAGGATACCAC]TGTCATGAGGATACCACTGTACAGTCTCCACACTGTATCTGTGAACATCAGGATGATCTC-3'